The following is an entry in ClinVar:

NM_033305.3(VPS13A):c.8333T>C (p.Leu2778Ser)

Gene: VPS13A (vacuolar protein sorting 13 homolog A; plus strand). Cytogenetic location: 9q21.2.
Variant type: single nucleotide variant.
Coding change: c.8333T>C on transcript NM_033305.3 (MANE Select); coding-DNA position 8333, T replaced by C.
Protein change: p.Leu2778Ser; replaces leucine 2778 with serine.
Molecular consequence: missense variant.
Genome position (GRCh38, 1-based): chr9:77,366,734, T>C. VCF-style: chr9-77366734-T-C. GRCh37 (hg19) VCF-style: chr9-79981650-T-C.
Other names: c.8216T>C, p.Leu2739Ser (NM_001018037.2); c.8333T>C, p.Leu2778Ser (NM_001018038.3, NM_015186.4); short protein forms L2739S, L2778S.
Identifiers: ClinVar variation 1433339 (VCV001433339.6), dbSNP rs1216728056, ClinGen allele CA373863526.

ClinVar aggregate classification (germline): Uncertain significance (1 of 4 stars; one submission).

Allele frequency attached by ClinVar (database versions not stated): gnomAD exomes below 0.00001; TOPMed below 0.00001; gnomAD 0.00001.
gnomAD v4.1: 3 of 1,611,536 alleles (0.00019%); highest among the groups gnomAD compares: Non-Finnish European, 0.00025%; no homozygotes.

Submission:

Labcorp Genetics (formerly Invitae), Labcorp
Classification: Uncertain significance. Last evaluated: 2022-09-07. Review status: criteria provided, single submitter. Criteria: Invitae Variant Classification Sherloc (09022015). Collection method: clinical testing. Allele origin: germline.
Comment: This variant has not been reported in the literature in individuals affected with VPS13A-related conditions. In summary, the available evidence is currently insufficient to determine the role of this variant in disease. Therefore, it has been classified as a Variant of Uncertain Significance. Algorithms developed to predict the effect of missense changes on protein structure and function are either unavailable or do not agree on the potential impact of this missense change (SIFT: "Deleterious"; PolyPhen-2: "Probably Damaging"; Align-GVGD: "Class C0"). ClinVar contains an entry for this variant (Variation ID: 1433339). This variant is present in population databases (no rsID available, gnomAD 0.0009%). This sequence change replaces leucine, which is neutral and non-polar, with serine, which is neutral and polar, at codon 2778 of the VPS13A protein (p.Leu2778Ser).